The following is an entry in ClinVar:

ClinVar aggregate classification (germline): Uncertain significance (1 of 4 stars; one submission).

Conditions:
Netherton syndrome (NETH). Also called: ERYTHRODERMA, ICHTHYOSIFORM, WITH HYPOTRICHOSIS AND HYPER-IgE; COMEL-NETHERTON SYNDROME; NETHERTON DISEASE. Identifiers: Orphanet 634, MedGen C5574950, MONDO:0009735, OMIM 256500.

Allele frequency attached by ClinVar (database versions not stated): gnomAD exomes below 0.00001 and 0.00001; gnomAD 0.00001; TOPMed 0.00001.
gnomAD v4.1: 11 of 1,613,898 alleles (0.00068%); highest among the groups gnomAD compares: Non-Finnish European, 0.00093%; no homozygotes.

Submission:

Labcorp Genetics (formerly Invitae), Labcorp
Classification: Uncertain significance for Ichthyosis linearis circumflexa. Last evaluated: 2022-08-04. Review status: criteria provided, single submitter. Criteria: Invitae Variant Classification Sherloc (09022015). Collection method: clinical testing. Allele origin: germline.
Comment: This sequence change replaces glycine, which is neutral and non-polar, with arginine, which is basic and polar, at codon 766 of the SPINK5 protein (p.Gly766Arg). This variant is not present in population databases (gnomAD no frequency). This variant has not been reported in the literature in individuals affected with SPINK5-related conditions. ClinVar contains an entry for this variant (Variation ID: 650637). Algorithms developed to predict the effect of missense changes on protein structure and function (SIFT, PolyPhen-2, Align-GVGD) all suggest that this variant is likely to be tolerated. In summary, the available evidence is currently insufficient to determine the role of this variant in disease. Therefore, it has been classified as a Variant of Uncertain Significance.

NM_006846.4(SPINK5):c.2296G>A (p.Gly766Arg)

Gene: SPINK5 (serine peptidase inhibitor Kazal type 5; plus strand). Cytogenetic location: 5q32.
Variant type: single nucleotide variant.
Coding change: c.2296G>A on transcript NM_006846.4 (MANE Select); coding-DNA position 2296, G replaced by A.
Protein change: p.Gly766Arg; replaces glycine 766 with arginine.
Molecular consequence: missense variant.
Genome position (GRCh38, 1-based): chr5:148,119,041, G>A. VCF-style: chr5-148119041-G-A. GRCh37 (hg19) VCF-style: chr5-147498604-G-A.
Other names: c.2296G>A, p.Gly766Arg (NM_001127698.2, NM_001127699.2); short protein forms G766R.
Identifiers: ClinVar variation 650637 (VCV000650637.6), dbSNP rs1008169582, ClinGen allele CA128935983.